The following is an entry in ClinVar:

NM_001999.4(FBN2):c.2773G>T (p.Gly925Ter)

Gene: FBN2 (fibrillin 2; minus strand). Cytogenetic location: 5q23.3.
Variant type: single nucleotide variant.
Coding change: c.2773G>T on transcript NM_001999.4 (MANE Select); coding-DNA position 2773, G replaced by T.
Protein change: p.Gly925Ter; replaces glycine 925 with a stop codon.
Molecular consequence: nonsense.
Genome position (GRCh38, 1-based): chr5:128,350,907, C>A on the plus strand (G>T on the coding strand, the complement: FBN2 is on the minus strand). VCF-style: chr5-128350907-C-A. GRCh37 (hg19) VCF-style: chr5-127686599-C-A.
Other names: short protein forms G925*.
Identifiers: ClinVar variation 458746 (VCV000458746.9), dbSNP rs111405756, ClinGen allele CA360766157.

ClinVar aggregate classification (germline): Uncertain significance (1 of 4 stars; one submission).

Conditions:
Congenital contractural arachnodactyly (CCA). Also called: Beals-Hecht syndrome; BEALS SYNDROME; Arthrogryposis, distal, type 9. Identifiers: Orphanet 115, MedGen C0220668, MONDO:0007363, OMIM 121050.

Submission:

Labcorp Genetics (formerly Invitae), Labcorp
Classification: Uncertain significance for Congenital contractural arachnodactyly. Last evaluated: 2017-05-02. Review status: criteria provided, single submitter. Criteria: Invitae Variant Classification Sherloc (09022015). Collection method: clinical testing. Allele origin: germline.
Comment: This sequence change creates a premature translational stop signal at codon 925 (p.Gly925*) of the FBN2 gene. It is expected to result in an absent or disrupted protein product. This variant is not present in population databases (ExAC no frequency) and has not been reported in the literature in individuals with a FBN2-related disease. The current clinical and genetic evidence is not sufficient to establish whether loss-of-function variants in FBN2 cause disease. Therefore, this variant has been classified as a Variant of Uncertain Significance.